The following is an entry in ClinVar:

NM_001080414.4(CCDC88C):c.4006C>A (p.His1336Asn)

Gene: CCDC88C (coiled-coil domain containing 88C; minus strand). Cytogenetic location: 14q32.11.
Variant type: single nucleotide variant.
Coding change: c.4006C>A on transcript NM_001080414.4 (MANE Select); coding-DNA position 4006, C replaced by A.
Protein change: p.His1336Asn; replaces histidine 1336 with asparagine.
Molecular consequence: missense variant. On other transcripts: non-coding transcript variant (2).
Genome position (GRCh38, 1-based): chr14:91,294,279, G>T on the plus strand (C>A on the coding strand, the complement: CCDC88C is on the minus strand). VCF-style: chr14-91294279-G-T. GRCh37 (hg19) VCF-style: chr14-91760623-G-T.
Other names: short protein forms H1336N.
Identifiers: ClinVar variation 3371710 (VCV003371710.1).

ClinVar aggregate classification (germline): Uncertain significance (1 of 4 stars; one submission).

Submission:

GeneDx
Classification: Uncertain significance. Last evaluated: 2024-03-27. Review status: criteria provided, single submitter. Criteria: GeneDx Variant Classification Process June 2021. Collection method: clinical testing. Allele origin: germline. Affected: yes.
Comment: Not observed at significant frequency in large population cohorts (gnomAD); In silico analysis supports that this missense variant has a deleterious effect on protein structure/function; Has not been previously published as pathogenic or benign to our knowledge